The following is an entry in ClinVar:

ClinVar aggregate classification (germline): Conflicting classifications of pathogenicity. Review status: criteria provided, conflicting classifications (1 of 4 stars). 2 submissions from 2 submitters: Uncertain significance (1); Likely benign (1). Last evaluated 2026-03-18.

Conditions:
Cardiovascular phenotype. Identifiers: MedGen CN230736.

Submissions (2):

GeneDx
Classification: Uncertain significance. Last evaluated: 2026-03-18. Review status: criteria provided, single submitter. Criteria: GeneDx Variant Classification Process June 2021. Collection method: clinical testing. Allele origin: germline.
Comment: Not observed at significant frequency in large population cohorts (gnomAD); In silico analysis supports that this missense variant has a deleterious effect on protein structure/function; Has not been previously published as pathogenic or benign to our knowledge

Ambry Genetics
Classification: Likely benign for Cardiovascular phenotype. Last evaluated: 2025-06-22. Review status: criteria provided, single submitter. Criteria: Ambry Variant Classification Scheme 2023. Collection method: clinical testing. Allele origin: germline.

NM_001365276.2(TNXB):c.9785A>C (p.Glu3262Ala)

Gene: TNXB (tenascin XB; minus strand). Cytogenetic location: 6p21.33.
Variant type: single nucleotide variant.
Coding change: c.9785A>C on transcript NM_001365276.2 (MANE Select); coding-DNA position 9785, A replaced by C.
Protein change: p.Glu3262Ala; replaces glutamic acid 3262 with alanine.
Molecular consequence: missense variant.
Genome position (GRCh38, 1-based): chr6:32,048,623, T>G on the plus strand (A>C on the coding strand, the complement: TNXB is on the minus strand). VCF-style: chr6-32048623-T-G. GRCh37 (hg19) VCF-style: chr6-32016400-T-G.
Other names: c.10526A>C, p.Glu3509Ala (NM_001428335.1); c.9779A>C, p.Glu3260Ala (NM_019105.8); short protein forms E3509A, E3262A, E3260A.
Identifiers: ClinVar variation 4188674 (VCV004188674.2).